The following is an entry in ClinVar:

ClinVar aggregate classification (germline): Uncertain significance (3 of 4 stars; one submission).

Conditions:
Hereditary thrombocytopenia and hematologic cancer predisposition syndrome. Identifiers: Orphanet 71290, MedGen CN281654, MONDO:0011071.

Submission:

ClinGen Myeloid Malignancy Variant Curation Expert Panel
Classification: Uncertain significance for Hereditary thrombocytopenia and hematologic cancer predisposition syndrome. Last evaluated: 2024-09-16. Review status: reviewed by expert panel. Criteria: ClinGen MyeloMalig ACMG Specifications v2. Collection method: curation. Allele origin: germline. Inheritance: Autosomal dominant inheritance.
Comment: NM_001754.5(RUNX1):c.442_444dup (p.Thr148dup)is an in-frame duplication which occurs in a residue within the Runt Homology Domain, but is not in an established hotspot variant (PM4_Supporting). This variant is completely absent from all population databases with at least 20x coverage for RUNX1 (PM2_Supporting). In summary, the clinical significance of this variant is uncertain. ACMG/AMP criteria applied, as specified by the Myeloid Malignancy Variant Curation Expert Panel for RUNX1: PM2_supporting, PM4_supporting.

NM_001754.5(RUNX1):c.442_444dup (p.Thr148_Ala149insThr)

Genes: RUNX1 (RUNX family transcription factor 1; minus strand), RUNX1-AS1 (RUNX1 antisense RNA 1; plus strand). Cytogenetic location: 21q22.12.
Variant type: Duplication.
Coding change: c.442_444dup on transcript NM_001754.5 (MANE Select); coding-DNA positions 442 to 444, 3 bases duplicated (ACC; older notation c.442_444dupACC).
Protein change: p.Thr148_Ala149insThr.
Genome position (GRCh38, 1-based): chr21:34,880,621-34,880,623, GGT duplicated on the plus strand (ACC on the coding strand, the reverse complement: RUNX1 is on the minus strand). VCF-style (leftmost placement, unchanged base first): chr21-34880620-C-CGGT. GRCh37 (hg19) VCF-style: chr21-36252917-C-CGGT.
Other names: NM_001754.5:c.442_444dup; c.361_363dup, p.Thr121_Ala122insThr (NM_001001890.3, NM_001122607.2).
Identifiers: ClinVar variation 3340472 (VCV003340472.2).